The following is an entry in ClinVar:

ClinVar aggregate classification (germline): Likely benign (0 of 4 stars; one submission).

Conditions:
Beta-thalassemia HBB/LCRB. Identifiers: MedGen CN322236, MONDO:0013517, OMIM 613985.

Submission:

Precision Medicine Lab Center, Yangjiang People's Hospital
Classification: Likely benign for Beta-thalassemia HBB/LCRB. Last evaluated: 2023-09-25. Review status: no assertion criteria provided. Collection method: clinical testing. Allele origin: germline. Affected: yes. Observed: 1 variant allele.
Comment: HBB:c.315+312TdelinsAAAAAACTTAACTTAAAAA is the 561 base T mutation of the second intron of the β gene to AAAAAACTTAACTTAAAAAA, and the database did not find this locus. Patients with HB126g/L, MCV96.6fL, MCH32.8pg, HBA93.7%, HBA2 2.5%, HBF3.8%, may be benign mutations.

NM_000518.5(HBB):c.315+312delinsAAAAAACTTAACTTAACTTAAAAA

Genes: HBB (hemoglobin subunit beta; minus strand), LOC107133510 (origin of replication at HBB; plus strand), LOC110006319 (beta-globin gene 3' regulatory region; plus strand). Cytogenetic location: 11p15.4.
Variant type: Indel.
Coding change: c.315+312delinsAAAAAACTTAACTTAACTTAAAAA on transcript NM_000518.5 (MANE Select); 312 bases into the intron after coding-DNA position 315, T replaced by AAAAAACTTAACTTAACTTAAAAA.
Molecular consequence: intron variant.
Genome position (GRCh38, 1-based): chr11:5,226,265, A replaced by TTTTTAAGTTAAGTTAAGTTTTTT on the plus strand (T replaced by AAAAAACTTAACTTAACTTAAAAA on the coding strand, the reverse complement: HBB is on the minus strand). VCF-style: chr11-5226265-A-TTTTTAAGTTAAGTTAAGTTTTTT. GRCh37 (hg19) VCF-style: chr11-5247495-A-TTTTTAAGTTAAGTTAAGTTTTTT.
Identifiers: ClinVar variation 4280318 (VCV004280318.1).